The following is an entry in ClinVar:

ClinVar aggregate classification (germline): Pathogenic (1 of 4 stars; one submission).

Conditions:
Mucolipidosis type IV (ML4). Also called: ML IV. Identifiers: Orphanet 578, MedGen C0238286, MONDO:0009653, OMIM 252650.

Submission:

Labcorp Genetics (formerly Invitae), Labcorp
Classification: Pathogenic for Mucolipidosis type IV. Last evaluated: 2023-07-13. Review status: criteria provided, single submitter. Criteria: Invitae Variant Classification Sherloc (09022015). Collection method: clinical testing. Allele origin: unknown.
Comment: A gross deletion of the genomic region encompassing the full coding sequence of the MCOLN1 gene has been identified. Loss-of-function variants in MCOLN1 are known to be pathogenic (PMID: 11030752, 11317355). The boundaries of this event are unknown as they extend beyond the assayed region for this gene and therefore may encompass additional genes. This variant has not been reported in the literature in individuals affected with MCOLN1-related conditions. For these reasons, this variant has been classified as Pathogenic.

Literature cited by the submitters: PubMed 11030752; PubMed 11317355.

NC_000019.9:g.(?_7504827)_(7712696_?)del

Genes: ARHGEF18 (Rho/Rac guanine nucleotide exchange factor 18; plus strand), CAMSAP3 (calmodulin regulated spectrin associated protein family member 3; plus strand), MCOLN1 (mucolipin TRP cation channel 1; plus strand), PCP2 (Purkinje cell protein 2; minus strand), PET100 (PET100 cytochrome c oxidase chaperone; plus strand) and 6 more. Cytogenetic location: 19p13.2.
Variant type: Deletion.
Identifiers: ClinVar variation 3248423 (VCV003248423.1).